The following is an entry in ClinVar:

NM_000089.4(COL1A2):c.4091G>C (p.Cys1364Ser)

Gene: COL1A2 (collagen type I alpha 2 chain; plus strand). Cytogenetic location: 7q21.3.
Variant type: single nucleotide variant.
Coding change: c.4091G>C on transcript NM_000089.4 (MANE Select); coding-DNA position 4091, G replaced by C.
Protein change: p.Cys1364Ser; replaces cysteine 1364 with serine.
Molecular consequence: missense variant.
Genome position (GRCh38, 1-based): chr7:94,430,383, G>C. VCF-style: chr7-94430383-G-C. GRCh37 (hg19) VCF-style: chr7-94059695-G-C.
Other names: short protein forms C1364S.
Identifiers: ClinVar variation 4536887 (VCV004536887.1).
Genomic context (GRCh38, chr7:94,430,383, plus strand): 5'-TTGCACCTTTGGACATCGGTGGTGCTGACCAGGAATTCTTTGTGGACATTGGCCCAGTCT[G>C]TTTCAAATAAATGAACTCAATCTAAATTAAAAAAGAAAGAAATTTGAAAAAACTTTCTCT-3'
Protein context (NP_000080.2, residues 1354-1366): QEFFVDIGPV[Cys1364Ser]FK

ClinVar aggregate classification (germline): Uncertain significance (1 of 4 stars; one submission).

gnomAD v4.1: 1 of 1,613,928 alleles (0.000062%); highest among the groups gnomAD compares: Non-Finnish European, 0.000085%; no homozygotes.

Submission:

Women's Health and Genetics/Laboratory Corporation of America, LabCorp
Classification: Uncertain significance. Last evaluated: 2025-11-10. Review status: criteria provided, single submitter. Criteria: LabCorp Variant Classification Summary - May 2015. Collection method: clinical testing. Allele origin: germline.
Comment: Variant summary: COL1A2 c.4091G>C (p.Cys1364Ser) results in a non-conservative amino acid change located in the C-terminal domain (IPR000885) of the encoded protein sequence. Algorithms developed to predict the effect of missense changes on protein structure and function all suggest that this variant is likely to be disruptive. The variant was absent in 251058 control chromosomes. The available data on variant occurrences in the general population are insufficient to allow any conclusion about variant significance. To our knowledge, no occurrence of c.4091G>C in individuals affected with COL1A2-related conditions and no experimental evidence demonstrating its impact on protein function have been reported. No submitters have cited clinical-significance assessments for this variant to ClinVar. Based on the evidence outlined above, the variant was classified as uncertain significance.